The following is an entry in ClinVar:

ClinVar aggregate classification (germline): Likely pathogenic (1 of 4 stars; one submission).

Submission:

Institute for Clinical Genetics, University Hospital TU Dresden, University Hospital TU Dresden
Classification: Likely pathogenic. Last evaluated: 2022-07-21. Review status: criteria provided, single submitter. Criteria: ACMG Guidelines, 2015. Collection method: clinical testing. Allele origin: germline.
Comment: PVS1, PM2_SUP

NM_020338.4(ZMIZ1):c.1566del (p.Ser524fs)

Gene: ZMIZ1 (zinc finger MIZ-type containing 1; plus strand). Cytogenetic location: 10q22.3.
Variant type: Deletion.
Coding change: c.1566del on transcript NM_020338.4 (MANE Select); coding-DNA position 1566, one base deleted (T; older notation c.1566delT).
Protein change: p.Ser524fs; shifts the reading frame from serine 524.
Molecular consequence: frameshift variant.
Genome position (GRCh38, 1-based): chr10:79,298,480, T deleted. VCF-style (leftmost placement, unchanged base first): chr10-79298479-CT-C. GRCh37 (hg19) VCF-style: chr10-81058236-CT-C.
Other names: short protein forms S524fs.
Identifiers: ClinVar variation 2576011 (VCV002576011.1), dbSNP rs2492115466, ClinGen allele CA2580615525.